The following is an entry in ClinVar:

NM_182895.5(SCARF2):c.2234dup (p.Arg746fs)

Gene: SCARF2 (scavenger receptor class F member 2; minus strand). Cytogenetic location: 22q11.21.
Variant type: Duplication.
Coding change: c.2234dup on transcript NM_182895.5 (MANE Select); coding-DNA position 2234, one base duplicated (G; older notation c.2234dupG).
Protein change: p.Arg746fs; shifts the reading frame from arginine 746.
Molecular consequence: frameshift variant.
Genome position (GRCh38, 1-based): chr22:20,425,742, C duplicated on the plus strand (G on the coding strand, the reverse complement: SCARF2 is on the minus strand); the first of 4 consecutive C bases (chr22:20,425,742-20,425,745); duplicating any one gives the same sequence. VCF-style (leftmost placement, unchanged base first): chr22-20425741-G-GC. GRCh37 (hg19) VCF-style: chr22-20780031-G-CCC.
Other names: NM_153334.4:c.2248dupG; p.Ala750GlyfsX28; c.2249dup, p.Arg751fs (NM_153334.7); short protein forms R746fs, R751fs.
Identifiers: ClinVar variation 403415 (VCV000403415.11), dbSNP rs5844422, ClinGen allele CA16609798.

ClinVar aggregate classification (germline): Benign. Review status: criteria provided, multiple submitters, no conflicts (2 of 4 stars). 2 submissions from 2 submitters: Benign (2). Last evaluated 2026-02-02.

Submissions (2):

Labcorp Genetics (formerly Invitae), Labcorp
Classification: Benign. Last evaluated: 2026-02-02. Review status: criteria provided, single submitter. Criteria: Invitae Variant Classification Sherloc (09022015). Collection method: clinical testing. Allele origin: germline.

Laboratory for Molecular Medicine, Mass General Brigham Personalized Medicine
Classification: Benign. Last evaluated: 2016-03-29. Review status: criteria provided, single submitter. Criteria: LMM Criteria. Collection method: clinical testing. Allele origin: germline.
Comment: Variant identified in a genome or exome case(s) and assessed due to predicted null impact of the variant or pathogenic assertions in the literature or databases. Disclaimer: This variant has not undergone full assessment. The following are preliminary notes: Frequency in 1000Genomes: 2105/2178=96.64%